The following is an entry in ClinVar:

NM_000143.4(FH):c.1391-3C>T

Gene: FH (fumarate hydratase; minus strand). Cytogenetic location: 1q43.
Variant type: single nucleotide variant.
Coding change: c.1391-3C>T on transcript NM_000143.4 (MANE Select); 3 bases into the intron before coding-DNA position 1391, C replaced by T.
Molecular consequence: intron variant.
Genome position (GRCh38, 1-based): chr1:241,497,973, G>A on the plus strand (C>T on the coding strand, the complement: FH is on the minus strand). VCF-style: chr1-241497973-G-A. GRCh37 (hg19) VCF-style: chr1-241661273-G-A.
Identifiers: ClinVar variation 2729707 (VCV002729707.3), dbSNP rs2147911372, ClinGen allele CA2697547756.

ClinVar aggregate classification (germline): Uncertain significance (1 of 4 stars; one submission).

Submission:

Labcorp Genetics (formerly Invitae), Labcorp
Classification: Uncertain significance. Last evaluated: 2023-06-27. Review status: criteria provided, single submitter. Criteria: Invitae Variant Classification Sherloc (09022015). Collection method: clinical testing. Allele origin: germline.
Comment: In summary, the available evidence is currently insufficient to determine the role of this variant in disease. Therefore, it has been classified as a Variant of Uncertain Significance. Variants that disrupt the consensus splice site are a relatively common cause of aberrant splicing (PMID: 17576681, 9536098). Algorithms developed to predict the effect of sequence changes on RNA splicing suggest that this variant is not likely to affect RNA splicing. This variant has not been reported in the literature in individuals affected with FH-related conditions. This variant is not present in population databases (gnomAD no frequency). This sequence change falls in intron 9 of the FH gene. It does not directly change the encoded amino acid sequence of the FH protein. It affects a nucleotide within the consensus splice site.

Literature cited by the submitters: PubMed 17576681; PubMed 9536098.